The following is an entry in ClinVar:

ClinVar aggregate classification (germline): Uncertain significance. Review status: criteria provided, multiple submitters, no conflicts (2 of 4 stars). 2 submissions from 2 submitters: Uncertain significance (2). Last evaluated 2024-06-25.

Conditions:
Cardiovascular phenotype. Identifiers: MedGen CN230736.
Hereditary cancer-predisposing syndrome. Also called: Hereditary neoplastic syndrome; Tumor predisposition; Neoplastic Syndromes, Hereditary; Hereditary Cancer Syndrome. Identifiers: Orphanet 140162, MedGen C0027672, MeSH D009386, MONDO:0015356.

Submissions (2):

Ambry Genetics
Classification: Uncertain significance for Cardiovascular phenotype; Hereditary cancer-predisposing syndrome. Last evaluated: 2024-06-25. Review status: criteria provided, single submitter. Criteria: Ambry Variant Classification Scheme 2023. Collection method: clinical testing. Allele origin: germline.
Comment: The p.F419L variant (also known as c.1257C>G), located in coding exon 11 of the LZTR1 gene, results from a C to G substitution at nucleotide position 1257. The phenylalanine at codon 419 is replaced by leucine, an amino acid with highly similar properties. This amino acid position is conserved. In addition, this alteration is predicted to be tolerated by in silico analysis. Based on the available evidence, the clinical significance of this variant remains unclear.

Labcorp Genetics (formerly Invitae), Labcorp
Classification: Uncertain significance. Last evaluated: 2021-08-22. Review status: criteria provided, single submitter. Criteria: Invitae Variant Classification Sherloc (09022015). Collection method: clinical testing. Allele origin: germline.
Comment: This variant is not present in population databases (ExAC no frequency). In summary, the available evidence is currently insufficient to determine the role of this variant in disease. Therefore, it has been classified as a Variant of Uncertain Significance. Algorithms developed to predict the effect of missense changes on protein structure and function are either unavailable or do not agree on the potential impact of this missense change (SIFT: "Tolerated"; PolyPhen-2: "Possibly Damaging"; Align-GVGD: "Class C0"). This variant has not been reported in the literature in individuals affected with LZTR1-related conditions. This sequence change replaces phenylalanine with leucine at codon 419 of the LZTR1 protein (p.Phe419Leu). The phenylalanine residue is highly conserved and there is a small physicochemical difference between phenylalanine and leucine.

NM_006767.4(LZTR1):c.1257C>G (p.Phe419Leu)

Gene: LZTR1 (leucine zipper like post translational regulator 1; plus strand). Cytogenetic location: 22q11.21.
Variant type: single nucleotide variant.
Coding change: c.1257C>G on transcript NM_006767.4 (MANE Select); coding-DNA position 1257, C replaced by G.
Protein change: p.Phe419Leu; replaces phenylalanine 419 with leucine.
Molecular consequence: missense variant.
Genome position (GRCh38, 1-based): chr22:20,992,901, C>G. VCF-style: chr22-20992901-C-G. GRCh37 (hg19) VCF-style: chr22-21347190-C-G.
Other names: c.1257C>G (NM_006767.3); short protein forms F419L.
Identifiers: ClinVar variation 1505663 (VCV001505663.7), dbSNP rs2147966064, ClinGen allele CA410774165.